The following is an entry in ClinVar:

ClinVar aggregate classification (germline): Uncertain significance (1 of 4 stars; one submission).

Allele frequency attached by ClinVar (database versions not stated): gnomAD exomes below 0.00001; TOPMed below 0.00001.

Submission:

GeneDx
Classification: Uncertain significance. Last evaluated: 2024-11-20. Review status: criteria provided, single submitter. Criteria: GeneDx Variant Classification Process June 2021. Collection method: clinical testing. Allele origin: germline. Affected: yes.
Comment: Not observed at significant frequency in large population cohorts (gnomAD); In silico analysis supports that this missense variant has a deleterious effect on protein structure/function; Has not been previously published as pathogenic or benign to our knowledge

NM_001379200.1(TBX1):c.652C>G (p.Gln218Glu)

Gene: TBX1 (T-box transcription factor 1; plus strand). Cytogenetic location: 22q11.21.
Variant type: single nucleotide variant.
Coding change: c.652C>G on transcript NM_001379200.1 (MANE Select); coding-DNA position 652, C replaced by G.
Protein change: p.Gln218Glu; replaces glutamine 218 with glutamic acid.
Molecular consequence: missense variant.
Genome position (GRCh38, 1-based): chr22:19,764,267, C>G. VCF-style: chr22-19764267-C-G. GRCh37 (hg19) VCF-style: chr22-19751790-C-G.
Other names: c.625C>G, p.Gln209Glu (NM_005992.1, NM_080646.2, NM_080647.1); short protein forms Q209E, Q218E.
Identifiers: ClinVar variation 430534 (VCV000430534.3), dbSNP rs1131692011, ClinGen allele CA410683013.